The following is an entry in ClinVar:

ClinVar aggregate classification (germline): Uncertain significance (1 of 4 stars; one submission).

Conditions:
RPGRIP1L-related disorder. Also called: RPGRIP1L-related condition; RPGRIP1L-related disorders. Identifiers: MedGen CN239416.

Submission:

PreventionGenetics, part of Exact Sciences
Classification: Uncertain significance for RPGRIP1L-related condition. Last evaluated: 2026-07-09. Review status: criteria provided, single submitter. Criteria: ACMG Guidelines, 2015. Collection method: clinical testing. Allele origin: germline.
Comment: The RPGRIP1L c.174T>A variant is predicted to result in the amino acid substitution p.His58Gln. To our knowledge, this variant has not been reported in the literature or in a large population database (gnomAD), indicating this variant is rare. At this time, the clinical significance of this variant is uncertain due to the absence of conclusive functional and genetic evidence.

NM_015272.5(RPGRIP1L):c.174T>A (p.His58Gln)

Gene: RPGRIP1L (RPGRIP1 like; minus strand). Cytogenetic location: 16q12.2.
Variant type: single nucleotide variant.
Coding change: c.174T>A on transcript NM_015272.5 (MANE Select); coding-DNA position 174, T replaced by A.
Protein change: p.His58Gln; replaces histidine 58 with glutamine.
Molecular consequence: missense variant.
Genome position (GRCh38, 1-based): chr16:53,696,207, A>T on the plus strand (T>A on the coding strand, the complement: RPGRIP1L is on the minus strand). VCF-style: chr16-53696207-A-T. GRCh37 (hg19) VCF-style: chr16-53730119-A-T.
Other names: c.174T>A, p.His58Gln (NM_001127897.4, NM_001308334.3, NM_001328422.2 and 2 more transcripts); short protein forms H58Q.
Identifiers: ClinVar variation 4994524 (VCV004994524.1).
Genomic context (GRCh38, chr16:53,696,207, plus strand): 5'-TAACCTTTTAATTTTATCCTCCTGCTTGCGGGCATGCTGTTTAAGTAAAATGTTCTCATC[A>T]TGCAAACGCAAAAATCTGTCTTCCAGTTCCTCACGACTGACACGTGACACTGCCTGGCGA-3'
Protein context (NP_056087.2, residues 48-68): EELEDRFLRL[His58Gln]DENILLKQHA